The following is an entry in ClinVar:

ClinVar aggregate classification (germline): Conflicting classifications of pathogenicity. Review status: criteria provided, conflicting classifications (1 of 4 stars). 4 submissions from 4 submitters: Uncertain significance (3); Likely benign (1). Last evaluated 2025-06-06.

Conditions:
Hereditary cancer-predisposing syndrome. Also called: Hereditary neoplastic syndrome; Tumor predisposition; Hereditary Cancer Syndrome; Neoplastic Syndromes, Hereditary. Identifiers: Orphanet 140162, MedGen C0027672, MeSH D009386, MONDO:0015356.
Hereditary breast ovarian cancer syndrome. Also called: BRCA1- and BRCA2-Associated Hereditary Breast and Ovarian Cancer; Hereditary breast and ovarian cancer syndrome (HBOC); Hereditary breast and/or ovarian cancer syndrome; Hereditary breast and ovarian cancer syndrome; Hereditary breast and ovarian cancer; Breast and ovarian cancer. Identifiers: Orphanet 145, MedGen C0677776, MeSH D061325, MONDO:0003582. Disease mechanism: loss of function.

Submissions (4):

Ambry Genetics
Classification: Uncertain significance for Hereditary cancer-predisposing syndrome. Last evaluated: 2025-06-06. Review status: criteria provided, single submitter. Criteria: Ambry Variant Classification Scheme 2023. Collection method: clinical testing. Allele origin: germline.
Comment: The p.F1978V variant (also known as c.5932T>G), located in coding exon 10 of the BRCA2 gene, results from a T to G substitution at nucleotide position 5932. The phenylalanine at codon 1978 is replaced by valine, an amino acid with highly similar properties. This amino acid position is highly conserved in available vertebrate species. In addition, this alteration is predicted to be deleterious by in silico analysis. Based on the available evidence, the clinical significance of this variant remains unclear.

University of Washington Department of Laboratory Medicine, University of Washington
Classification: Likely benign for Hereditary cancer-predisposing syndrome. Last evaluated: 2023-03-23. Review status: criteria provided, single submitter. Criteria: Dines et al. (Genet Med. 2020). Collection method: curation. Allele origin: germline.
Comment: Missense variant in a coldspot region where missense variants are very unlikely to be pathogenic (PMID:31911673).

BRCA2 exon 11 coldspot. Reclassification based on statistical prior probability.

Labcorp Genetics (formerly Invitae), Labcorp
Classification: Uncertain significance for Hereditary breast ovarian cancer syndrome. Last evaluated: 2023-03-10. Review status: criteria provided, single submitter. Criteria: Invitae Variant Classification Sherloc (09022015). Collection method: clinical testing. Allele origin: germline.
Comment: This variant has not been reported in the literature in individuals affected with BRCA2-related conditions. In summary, the available evidence is currently insufficient to determine the role of this variant in disease. Therefore, it has been classified as a Variant of Uncertain Significance. Advanced modeling of protein sequence and biophysical properties (such as structural, functional, and spatial information, amino acid conservation, physicochemical variation, residue mobility, and thermodynamic stability) has been performed at Invitae for this missense variant, however the output from this modeling did not meet the statistical confidence thresholds required to predict the impact of this variant on BRCA2 protein function. ClinVar contains an entry for this variant (Variation ID: 220443). This variant is not present in population databases (gnomAD no frequency). This sequence change replaces phenylalanine, which is neutral and non-polar, with valine, which is neutral and non-polar, at codon 1978 of the BRCA2 protein (p.Phe1978Val).

GeneDx
Classification: Uncertain significance. Last evaluated: 2021-06-21. Review status: criteria provided, single submitter. Criteria: GeneDx Variant Classification Process June 2021. Collection method: clinical testing. Allele origin: germline. Affected: yes.
Comment: Not observed at significant frequency in large population cohorts (Lek et al., 2016); In silico analysis supports that this missense variant has a deleterious effect on protein structure/function; Has not been previously published as pathogenic or benign to our knowledge; Also known as 6160T>G; This variant is associated with the following publications: (PMID: 27535533, 9002670, 22193408)

NM_000059.4(BRCA2):c.5932T>G (p.Phe1978Val)

Gene: BRCA2 (BRCA2 DNA repair associated; plus strand). Cytogenetic location: 13q13.1.
Variant type: single nucleotide variant.
Coding change: c.5932T>G on transcript NM_000059.4 (MANE Select); coding-DNA position 5932, T replaced by G.
Protein change: p.Phe1978Val; replaces phenylalanine 1978 with valine.
Molecular consequence: missense variant.
Genome position (GRCh38, 1-based): chr13:32,340,287, T>G. VCF-style: chr13-32340287-T-G. GRCh37 (hg19) VCF-style: chr13-32914424-T-G.
Other names: short protein forms F1978V.
Identifiers: ClinVar variation 220443 (VCV000220443.17), dbSNP rs864622526, ClinGen allele CA348922.